The following is an entry in ClinVar:

ClinVar aggregate classification (germline): Likely benign (0 of 4 stars; one submission).

Conditions:
PLXNA2-related disorder. Also called: PLXNA2-related condition.

Submission:

PreventionGenetics, part of Exact Sciences
Classification: Likely benign for PLXNA2-related condition. Last evaluated: 2024-04-03. Review status: no assertion criteria provided. Collection method: clinical testing. Allele origin: germline.
Comment: This variant is classified as likely benign based on ACMG/AMP sequence variant interpretation guidelines (Richards et al. 2015 PMID: 25741868, with internal and published modifications).

NM_025179.4(PLXNA2):c.3639+7G>T

Gene: PLXNA2 (plexin A2; minus strand). Cytogenetic location: 1q32.2.
Variant type: single nucleotide variant.
Coding change: c.3639+7G>T on transcript NM_025179.4 (MANE Select); 7 bases into the intron after coding-DNA position 3639, G replaced by T.
Molecular consequence: intron variant.
Genome position (GRCh38, 1-based): chr1:208,045,060, C>A on the plus strand (G>T on the coding strand, the complement: PLXNA2 is on the minus strand). VCF-style: chr1-208045060-C-A. GRCh37 (hg19) VCF-style: chr1-208218405-C-A.
Identifiers: ClinVar variation 3346591 (VCV003346591.1).
Genomic context (GRCh38, chr1:208,045,060, plus strand): 5'-CCTTAGGACAGATCACACATGCACCACGAGGCGGGAAGGAGGCATTACAGACGCAGGGCT[C>A]ACTCACCATGACCTTGTGCTGCCCGGTGAGGTTGGGAGGCTCGCAGAGAAGCTGGGTCTC-3'